The following is an entry in ClinVar:

ClinVar aggregate classification (germline): Benign/Likely benign. Review status: criteria provided, multiple submitters, no conflicts (2 of 4 stars). 7 submissions from 7 submitters: Benign (1); Likely benign (6). Last evaluated 2025-11-10.

Conditions:
Hereditary cancer-predisposing syndrome. Also called: Hereditary neoplastic syndrome; Hereditary Cancer Syndrome; Neoplastic Syndromes, Hereditary; Tumor predisposition. Identifiers: Orphanet 140162, MedGen C0027672, MeSH D009386, MONDO:0015356.
Familial adenomatous polyposis 1 (FAP1). Also called: FAMILIAL ADENOMATOUS POLYPOSIS 1, ATTENUATED; POLYPOSIS, ADENOMATOUS INTESTINAL. Identifiers: MedGen C2713442, MONDO:0021056, OMIM 175100. Disease mechanism: loss of function.

Allele frequency attached by ClinVar (database versions not stated): gnomAD 0.00001; TOPMed 0.00001.
gnomAD v4.1: 18 of 1,614,104 alleles (0.0011%); highest among the groups gnomAD compares: Middle Eastern, 0.016%; no homozygotes.

Submissions (7):

Labcorp Genetics (formerly Invitae), Labcorp
Classification: Likely benign for Familial adenomatous polyposis 1. Last evaluated: 2025-11-10. Review status: criteria provided, single submitter. Criteria: Invitae Variant Classification Sherloc (09022015). Collection method: clinical testing. Allele origin: germline.

Women's Health and Genetics/Laboratory Corporation of America, LabCorp
Classification: Likely benign. Last evaluated: 2025-11-06. Review status: criteria provided, single submitter. Criteria: LabCorp Variant Classification Summary - May 2015. Collection method: clinical testing. Allele origin: germline.

Myriad Genetics, Inc.
Classification: Benign for Familial adenomatous polyposis 1. Last evaluated: 2024-03-12. Review status: criteria provided, single submitter. Criteria: Myriad Autosomal Dominant, Autosomal Recessive and X-Linked Classification Criteria (2023). Collection method: clinical testing. Allele origin: unknown.
Comment: This variant is considered benign. This variant is a silent/synonymous amino acid change and it is not expected to impact splicing.

Quest Diagnostics Nichols Institute San Juan Capistrano
Classification: Likely benign. Last evaluated: 2021-05-14. Review status: criteria provided, single submitter. Criteria: Quest Diagnostics criteria. Collection method: clinical testing. Allele origin: unknown.

GeneDx
Classification: Likely benign. Last evaluated: 2020-02-19. Review status: criteria provided, single submitter. Criteria: GeneDx Variant Classification Process June 2021. Collection method: clinical testing. Allele origin: germline. Affected: yes.

Color Diagnostics, LLC DBA Color Health
Classification: Likely benign for Hereditary cancer-predisposing syndrome. Last evaluated: 2017-09-11. Review status: criteria provided, single submitter. Criteria: ACMG Guidelines, 2015. Collection method: clinical testing. Allele origin: germline.

Ambry Genetics
Classification: Likely benign for Hereditary cancer-predisposing syndrome. Last evaluated: 2015-01-13. Review status: criteria provided, single submitter. Criteria: Ambry Variant Classification Scheme 2023. Collection method: clinical testing. Allele origin: germline.

NM_000038.6(APC):c.2433A>G (p.Ser811=)

Gene: APC (APC regulator of Wnt signaling pathway; plus strand). Cytogenetic location: 5q22.2.
Variant type: single nucleotide variant.
Coding change: c.2433A>G on transcript NM_000038.6 (MANE Select); coding-DNA position 2433, A replaced by G.
Protein change: p.Ser811=; no amino-acid change (serine 811 retained).
Molecular consequence: synonymous variant.
Genome position (GRCh38, 1-based): chr5:112,838,027, A>G. VCF-style: chr5-112838027-A-G. GRCh37 (hg19) VCF-style: chr5-112173724-A-G.
Other names: c.2433A>G, p.Ser811= (NM_001127510.3, NM_001354895.2); c.2379A>G, p.Ser793= (NM_001127511.3); c.2487A>G, p.Ser829= (NM_001354896.2); c.2463A>G, p.Ser821= (NM_001354897.2); c.2358A>G, p.Ser786= (NM_001354898.2); c.2349A>G, p.Ser783= (NM_001354899.2); c.2310A>G, p.Ser770= (NM_001354900.2); c.2256A>G, p.Ser752= (NM_001354901.2); and 5 more.
Identifiers: ClinVar variation 229992 (VCV000229992.21), dbSNP rs768177978, ClinGen allele CA032043.